The following is an entry in ClinVar:

NM_007254.4(PNKP):c.1299G>A (p.Arg433=)

Gene: PNKP (polynucleotide kinase 3'-phosphatase; minus strand). Cytogenetic location: 19q13.33.
Variant type: single nucleotide variant.
Coding change: c.1299G>A on transcript NM_007254.4 (MANE Select); coding-DNA position 1299, G replaced by A.
Protein change: p.Arg433=; no amino-acid change (arginine 433 retained).
Molecular consequence: synonymous variant.
Genome position (GRCh38, 1-based): chr19:49,861,695, C>T on the plus strand (G>A on the coding strand, the complement: PNKP is on the minus strand). VCF-style: chr19-49861695-C-T. GRCh37 (hg19) VCF-style: chr19-50364952-C-T.
Identifiers: ClinVar variation 2498791 (VCV002498791.28), dbSNP rs2514632783, ClinGen allele CA406933310.

ClinVar aggregate classification (germline): Likely benign (1 of 4 stars; one submission).

gnomAD v4.1: 9 of 1,547,804 alleles (0.00058%); highest among the groups gnomAD compares: Non-Finnish European, 0.00079%; no homozygotes.

Submission:

CeGaT Center for Human Genetics Tuebingen
Classification: Likely benign. Last evaluated: 2023-02-01. Review status: criteria provided, single submitter. Criteria: CeGaT Center For Human Genetics Tuebingen Variant Classification Criteria Version 2. Collection method: clinical testing. Allele origin: germline. Affected: yes. Observed: 1 variant allele.
Comment: PNKP: PM2:Supporting, BP4, BP7